The following is an entry in ClinVar:

ClinVar aggregate classification (germline): Likely benign (0 of 4 stars; one submission).

Conditions:
LAMA5-related disorder. Also called: LAMA5-Related Disorders; LAMA5-related condition.

Allele frequency attached by ClinVar (database versions not stated): 1000 Genomes Project 0.00020; 1000 Genomes Project 30x 0.00031; gnomAD 0.00007; ExAC 0.00014.

Submission:

PreventionGenetics, part of Exact Sciences
Classification: Likely benign for LAMA5-related condition. Last evaluated: 2019-04-02. Review status: no assertion criteria provided. Collection method: clinical testing. Allele origin: germline.
Comment: This variant is classified as likely benign based on ACMG/AMP sequence variant interpretation guidelines (Richards et al. 2015 PMID: 25741868, with internal and published modifications).

NM_005560.6(LAMA5):c.5259G>A (p.Thr1753=)

Gene: LAMA5 (laminin subunit alpha 5; minus strand). Cytogenetic location: 20q13.33.
Variant type: single nucleotide variant.
Coding change: c.5259G>A on transcript NM_005560.6 (MANE Select); coding-DNA position 5259, G replaced by A.
Protein change: p.Thr1753=; no amino-acid change (threonine 1753 retained).
Molecular consequence: synonymous variant.
Genome position (GRCh38, 1-based): chr20:62,326,716, C>T on the plus strand (G>A on the coding strand, the complement: LAMA5 is on the minus strand). VCF-style: chr20-62326716-C-T. GRCh37 (hg19) VCF-style: chr20-60901772-C-T.
Identifiers: ClinVar variation 3040899 (VCV003040899.2), dbSNP rs202112441, ClinGen allele CA9942262.